The following is an entry in ClinVar:

NM_000038.6(APC):c.6565A>C (p.Lys2189Gln)

Gene: APC (APC regulator of Wnt signaling pathway; plus strand). Cytogenetic location: 5q22.2.
Variant type: single nucleotide variant.
Coding change: c.6565A>C on transcript NM_000038.6 (MANE Select); coding-DNA position 6565, A replaced by C.
Protein change: p.Lys2189Gln; replaces lysine 2189 with glutamine.
Molecular consequence: missense variant.
Genome position (GRCh38, 1-based): chr5:112,842,159, A>C. VCF-style: chr5-112842159-A-C. GRCh37 (hg19) VCF-style: chr5-112177856-A-C.
Other names: c.6565A>C, p.Lys2189Gln (NM_001127510.3, NM_001354895.2); c.6511A>C, p.Lys2171Gln (NM_001127511.3); c.6619A>C, p.Lys2207Gln (NM_001354896.2); c.6595A>C, p.Lys2199Gln (NM_001354897.2); c.6490A>C, p.Lys2164Gln (NM_001354898.2); c.6481A>C, p.Lys2161Gln (NM_001354899.2); c.6442A>C, p.Lys2148Gln (NM_001354900.2); c.6388A>C, p.Lys2130Gln (NM_001354901.2); and 5 more; short protein forms K2171Q, K2189Q, K1906Q, K2029Q, K2161Q, K2199Q, K2098Q, K2207Q.
Identifiers: ClinVar variation 492670 (VCV000492670.7), dbSNP rs1554087525, ClinGen allele CA16035692.

ClinVar aggregate classification (germline): Uncertain significance. Review status: criteria provided, multiple submitters, no conflicts (2 of 4 stars). 3 submissions from 3 submitters: Uncertain significance (2). 1 of the submissions does not count toward it. Last evaluated 2026-06-03.

Conditions:
Hereditary cancer-predisposing syndrome. Also called: Tumor predisposition; Hereditary neoplastic syndrome; Neoplastic Syndromes, Hereditary; Hereditary Cancer Syndrome. Identifiers: Orphanet 140162, MedGen C0027672, MeSH D009386, MONDO:0015356.

Submissions (3):

Ambry Genetics
Classification: Uncertain significance for Hereditary cancer-predisposing syndrome. Last evaluated: 2026-06-03. Review status: criteria provided, single submitter. Criteria: Ambry Variant Classification Scheme 2023. Collection method: clinical testing. Allele origin: germline.
Comment: The p.K2189Q variant (also known as c.6565A>C), located in coding exon 15 of the APC gene, results from an A to C substitution at nucleotide position 6565. The lysine at codon 2189 is replaced by glutamine, an amino acid with similar properties. This amino acid position is conserved. In addition, in silico predictors for this gene do not accurately predict pathogenicity. Based on the available evidence, the clinical significance of this variant remains unclear.

Women's Health and Genetics/Laboratory Corporation of America, LabCorp
Classification: Uncertain significance. Last evaluated: 2019-09-13. Review status: criteria provided, single submitter. Criteria: LabCorp Variant Classification Summary - May 2015. Collection method: clinical testing. Allele origin: germline.
Comment: Variant summary: APC c.6565A>C (p.Lys2189Gln) results in a conservative amino acid change in the encoded protein sequence. Three of five in-silico tools predict a damaging effect of the variant on protein function. The variant was absent in 249068 control chromosomes (gnomAD). The available data on variant occurrences in the general population are insufficient to allow any conclusion about variant significance. To our knowledge, no occurrence of c.6565A>C in individuals affected with Familial Adenomatous Polyposis and no experimental evidence demonstrating an impact on protein function have been reported. One ClinVar submission (submission after 2014) cites this variant as uncertain significance. Based on the evidence outlined above, the variant was classified as uncertain significance.

Mayo Clinic Laboratories, Mayo Clinic
Classification: Uncertain significance. Review status: no assertion criteria provided. Collection method: clinical testing. Allele origin: unknown. Not counted in ClinVar's aggregate classification.